The following is an entry in ClinVar:

NM_006904.7(PRKDC):c.5977G>C (p.Glu1993Gln)

Gene: PRKDC (protein kinase, DNA-activated, catalytic subunit; minus strand). Cytogenetic location: 8q11.21.
Variant type: single nucleotide variant.
Coding change: c.5977G>C on transcript NM_006904.7 (MANE Select); coding-DNA position 5977, G replaced by C.
Protein change: p.Glu1993Gln; replaces glutamic acid 1993 with glutamine.
Molecular consequence: missense variant.
Genome position (GRCh38, 1-based): chr8:47,862,070, C>G on the plus strand (G>C on the coding strand, the complement: PRKDC is on the minus strand). VCF-style: chr8-47862070-C-G. GRCh37 (hg19) VCF-style: chr8-48774631-C-G.
Other names: c.5977G>C, p.Glu1993Gln (NM_001081640.2); short protein forms E1993Q.
Identifiers: ClinVar variation 834842 (VCV000834842.8), dbSNP rs2088690604, ClinGen allele CA371161852.

ClinVar aggregate classification (germline): Uncertain significance (1 of 4 stars; one submission).

Conditions:
Severe combined immunodeficiency due to DNA-PKcs deficiency. Also called: Immunodeficiency 26 with or without neurologic abnormalities; IMMUNODEFICIENCY 26 WITH NEUROLOGIC ABNORMALITIES. Identifiers: Orphanet 317425, MedGen C4014833, MONDO:0014423, OMIM 615966.

Submission:

Labcorp Genetics (formerly Invitae), Labcorp
Classification: Uncertain significance for Severe combined immunodeficiency due to DNA-PKcs deficiency. Last evaluated: 2020-02-17. Review status: criteria provided, single submitter. Criteria: Invitae Variant Classification Sherloc (09022015). Collection method: clinical testing. Allele origin: germline.
Comment: In summary, the available evidence is currently insufficient to determine the role of this variant in disease. Therefore, it has been classified as a Variant of Uncertain Significance. This sequence change replaces glutamic acid with glutamine at codon 1993 of the PRKDC protein (p.Glu1993Gln). The glutamic acid residue is highly conserved and there is a small physicochemical difference between glutamic acid and glutamine. This variant is not present in population databases (ExAC no frequency). This variant has not been reported in the literature in individuals with PRKDC-related conditions. Algorithms developed to predict the effect of missense changes on protein structure and function are either unavailable or do not agree on the potential impact of this missense change (SIFT: "Deleterious"; PolyPhen-2: "Not available"; Align-GVGD: "Class C0").